The following is an entry in ClinVar:

NM_000334.4(SCN4A):c.3313G>A (p.Val1105Met)

Genes: GH-LCR (growth hormone locus control region; plus strand), SCN4A (sodium voltage-gated channel alpha subunit 4; minus strand). Cytogenetic location: 17q23.3.
Variant type: single nucleotide variant.
Coding change: c.3313G>A on transcript NM_000334.4 (MANE Select); coding-DNA position 3313, G replaced by A.
Protein change: p.Val1105Met; replaces valine 1105 with methionine.
Molecular consequence: missense variant.
Genome position (GRCh38, 1-based): chr17:63,947,895, C>T on the plus strand (G>A on the coding strand, the complement: SCN4A is on the minus strand). VCF-style: chr17-63947895-C-T. GRCh37 (hg19) VCF-style: chr17-62025255-C-T.
Other names: short protein forms V1105M.
Identifiers: ClinVar variation 834457 (VCV000834457.16), dbSNP rs756884948, ClinGen allele CA292962838.

ClinVar aggregate classification (germline): Uncertain significance. Review status: criteria provided, multiple submitters, no conflicts (2 of 4 stars). 5 submissions from 5 submitters: Uncertain significance (5). Last evaluated 2025-06-16.

Conditions:
Hyperkalemic periodic paralysis. Also called: Familial hyperkalemic periodic paralysis; Gamstorp disease. Identifiers: Orphanet 682, MedGen C0238357, MONDO:0008224, OMIM 170500, HP:0007215.
Congenital myopathy 22A, classic (CMYO22A). Identifiers: MedGen C5830453, MONDO:0957247, OMIM 620351.
Congenital myopathy 22B, severe fetal (CMYO22B). Identifiers: MedGen C5830501, MONDO:0957265, OMIM 620369.
Paramyotonia congenita of Von Eulenburg. Also called: Eulenburg disease; Myotonia congenita intermittens; Von Eulenburg paramyotonia congenita; Paramyotonia Congenita; PARALYSIS PERIODICA PARAMYOTONICA. Identifiers: Orphanet 684, MedGen C0221055, MONDO:0008195, OMIM 168300. Disease mechanism: loss of function.
Hypokalemic periodic paralysis, type 2 (HOKPP2). Identifiers: Orphanet 681, MedGen C2750061, MONDO:0013234, OMIM 613345.
Potassium-aggravated myotonia. Also called: MYOTONIA CONGENITA, ACETAZOLAMIDE-RESPONSIVE; MYOTONIA CONGENITA, ATYPICAL; SODIUM CHANNEL MUSCLE DISEASE; Myotonia congenita, atypical, acetazolamide-responsive. Identifiers: Orphanet 612, Orphanet 99734, Orphanet 99735, Orphanet 99736, MedGen C2931826, MONDO:0018959, OMIM 608390.
Congenital myasthenic syndrome 16. Identifiers: Orphanet 590, MedGen C3280112, MONDO:0013620, OMIM 614198.

Allele frequency attached by ClinVar (database versions not stated): TOPMed 0.00006.
gnomAD v4.1: 115 of 1,613,288 alleles (0.0071%); highest among the groups gnomAD compares: Non-Finnish European, 0.0086%; no homozygotes.

Submissions (5):

Labcorp Genetics (formerly Invitae), Labcorp
Classification: Uncertain significance for Hyperkalemic periodic paralysis. Last evaluated: 2025-06-16. Review status: criteria provided, single submitter. Criteria: Invitae Variant Classification Sherloc (09022015). Collection method: clinical testing. Allele origin: germline.
Comment: This sequence change replaces valine, which is neutral and non-polar, with methionine, which is neutral and non-polar, at codon 1105 of the SCN4A protein (p.Val1105Met). The frequency data for this variant in the population databases is considered unreliable, as metrics indicate poor data quality at this position in the gnomAD database. This missense change has been observed in individual(s) with SCN4A-related conditions (PMID: 38344586; internal data). ClinVar contains an entry for this variant (Variation ID: 834457). Invitae Evidence Modeling of protein sequence and biophysical properties (such as structural, functional, and spatial information, amino acid conservation, physicochemical variation, residue mobility, and thermodynamic stability) indicates that this missense variant is expected to disrupt SCN4A protein function with a positive predictive value of 95%. In summary, the available evidence is currently insufficient to determine the role of this variant in disease. Therefore, it has been classified as a Variant of Uncertain Significance.

Revvity Omics, Revvity
Classification: Uncertain significance. Last evaluated: 2024-10-22. Review status: criteria provided, single submitter. Criteria: ACMG Guidelines, 2015. Collection method: clinical testing. Allele origin: germline.

Fulgent Genetics
Classification: Uncertain significance for Paramyotonia congenita of Von Eulenburg; Hyperkalemic periodic paralysis; Potassium-aggravated myotonia; Hypokalemic periodic paralysis, type 2; Congenital myasthenic syndrome 16; Congenital myopathy 22A, classic; Congenital myopathy 22B, severe fetal. Last evaluated: 2024-03-21. Review status: criteria provided, single submitter. Criteria: ACMG Guidelines, 2015. Collection method: clinical testing. Allele origin: germline.

GeneDx
Classification: Uncertain significance. Last evaluated: 2024-02-14. Review status: criteria provided, single submitter. Criteria: GeneDx Variant Classification Process June 2021. Collection method: clinical testing. Allele origin: germline. Affected: yes.
Comment: Reported heterozygous in a patient with cardiac dysrhythmia and sudden death in published literature; however, no further clinical information was provided (PMID: 31847883); Not observed at significant frequency in large population cohorts (gnomAD); In silico analysis supports that this missense variant has a deleterious effect on protein structure/function; This variant is associated with the following publications: (PMID: 32321736, 38344586, 31847883)

Breakthrough Genomics
Classification: Uncertain significance. Review status: criteria provided, single submitter. Criteria: ACMG Guidelines, 2015. Collection method: not provided. Allele origin: germline. Inheritance: Autosomal recessive inheritance. Affected: yes.

Literature cited by the submitters: PubMed 38344586 (cited by Labcorp Genetics (formerly Invitae), Labcorp).